The following is an entry in ClinVar:

ClinVar aggregate classification (germline): Uncertain significance. Review status: criteria provided, multiple submitters, no conflicts (2 of 4 stars). 2 submissions from 2 submitters: Uncertain significance (2). Last evaluated 2023-02-22.

Submissions (2):

Ambry Genetics
Classification: Uncertain significance. Last evaluated: 2023-02-22. Review status: criteria provided, single submitter. Criteria: Ambry Variant Classification Scheme 2023. Collection method: clinical testing. Allele origin: germline.

Labcorp Genetics (formerly Invitae), Labcorp
Classification: Uncertain significance. Last evaluated: 2022-09-27. Review status: criteria provided, single submitter. Criteria: Invitae Variant Classification Sherloc (09022015). Collection method: clinical testing. Allele origin: germline.
Comment: In summary, the available evidence is currently insufficient to determine the role of this variant in disease. Therefore, it has been classified as a Variant of Uncertain Significance. Algorithms developed to predict the effect of missense changes on protein structure and function (SIFT, PolyPhen-2, Align-GVGD) all suggest that this variant is likely to be disruptive. This variant has not been reported in the literature in individuals affected with GPR45-related conditions. This variant is not present in population databases (gnomAD no frequency). This sequence change replaces methionine, which is neutral and non-polar, with threonine, which is neutral and polar, at codon 65 of the GPR45 protein (p.Met65Thr).

NM_007227.3(GPR45):c.194T>C (p.Met65Thr)

Gene: GPR45 (G protein-coupled receptor 45; plus strand). Cytogenetic location: 2q12.1.
Variant type: single nucleotide variant.
Coding change: c.194T>C on transcript NM_007227.3 (MANE Select); coding-DNA position 194, T replaced by C.
Protein change: p.Met65Thr; replaces methionine 65 with threonine.
Molecular consequence: missense variant.
Genome position (GRCh38, 1-based): chr2:105,242,052, T>C. VCF-style: chr2-105242052-T-C. GRCh37 (hg19) VCF-style: chr2-105858509-T-C.
Other names: short protein forms M65T.
Identifiers: ClinVar variation 2428083 (VCV002428083.7), dbSNP rs2466837689, ClinGen allele CA348099527.